The following is an entry in ClinVar:

ClinVar aggregate classification (germline): Pathogenic (1 of 4 stars; one submission).

Conditions:
Hypohidrotic X-linked ectodermal dysplasia (XHED). Also called: ECTODERMAL DYSPLASIA 1, HYPOHIDROTIC/HAIR/TOOTH TYPE, X-LINKED; ECTODERMAL DYSPLASIA 1; Ectodermal Dysplasia 1, Anhidrotic; ECTODERMAL DYSPLASIA, HYPOHIDROTIC, 1; CST SYNDROME; Anhidrotic ectodermal dysplasia X-linked. Identifiers: Orphanet 181, Orphanet 238468, MedGen C0162359, MONDO:0010585, OMIM 305100.

Submission:

Labcorp Genetics (formerly Invitae), Labcorp
Classification: Pathogenic for Hypohidrotic X-linked ectodermal dysplasia. Last evaluated: 2020-09-04. Review status: criteria provided, single submitter. Criteria: Invitae Variant Classification Sherloc (09022015). Collection method: clinical testing. Allele origin: germline.
Comment: This sequence change affects an acceptor splice site in intron 3 of the EDA gene. It is expected to disrupt RNA splicing and likely results in an absent or disrupted protein product. This variant is not present in population databases (ExAC no frequency). This variant has not been reported in the literature in individuals with EDA-related disease. Algorithms developed to predict the effect of sequence changes on RNA splicing suggest that this variant may disrupt the consensus splice site, but this prediction has not been confirmed by published transcriptional studies. A different variant affecting this nucleotide (c.527-2A>C) has been reported in multiple individuals affected with ectodermal dysplasia (PMID: 24724966). This suggests that this nucleotide is important for normal RNA splicing, and that other variants at this position may also be pathogenic. Donor and acceptor splice site variants typically lead to a loss of protein function (PMID: 16199547), and loss-of-function variants in EDA are known to be pathogenic (PMID: 9683615). For these reasons, this variant has been classified as Pathogenic.

Literature cited by the submitters: PubMed 24724966; PubMed 16199547; PubMed 9683615.

NM_001399.5(EDA):c.527-2A>T

Gene: EDA (ectodysplasin A; plus strand). Cytogenetic location: Xq13.1.
Variant type: single nucleotide variant.
Coding change: c.527-2A>T on transcript NM_001399.5 (MANE Select); the canonical splice acceptor site of the intron before coding-DNA position 527, A replaced by T.
Molecular consequence: splice acceptor variant.
Genome position (GRCh38, 1-based): chrX:70,027,855, A>T. VCF-style: chrX-70027855-A-T. GRCh37 (hg19) VCF-style: chrX-69247705-A-T.
Other names: c.527-2A>T (NM_001005609.2, NM_001005612.3).
Identifiers: ClinVar variation 568794 (VCV000568794.10), dbSNP rs1569404780, ClinGen allele CA413448167.
Genomic context (GRCh38, chrX:70,027,855, plus strand): 5'-CCTGGGCAACAGAGCAGGACTCCGTCTCAAAAAAAAAAGTAACACTGAATCCTATTTTTC[A>T]GGAAAGAAAGCAGGACCTCCTGGACCCAATGGCCCTCCAGGACCCCCAGGACCTCCAGGA-3'